The following is an entry in ClinVar:

NM_138927.4(SON):c.2048C>T (p.Ser683Phe)

Gene: SON (SON DNA and RNA binding protein; plus strand). Cytogenetic location: 21q22.11.
Variant type: single nucleotide variant.
Coding change: c.2048C>T on transcript NM_138927.4 (MANE Select); coding-DNA position 2048, C replaced by T.
Protein change: p.Ser683Phe; replaces serine 683 with phenylalanine.
Molecular consequence: missense variant. On other transcripts: non-coding transcript variant (1), intron variant (1).
Genome position (GRCh38, 1-based): chr21:33,551,279, C>T. VCF-style: chr21-33551279-C-T. GRCh37 (hg19) VCF-style: chr21-34923585-C-T.
Other names: c.2048C>T, p.Ser683Phe (NM_001291411.2, NM_032195.3); c.244+4900C>T (NM_001291412.3); short protein forms S683F.
Identifiers: ClinVar variation 3702185 (VCV003702185.2).
Genomic context (GRCh38, chr21:33,551,279, plus strand): 5'-AGCTGTCAACGATGACCGTGTCGCAGTCCCTGGAGGTGCCCTCGACGACAGCGCTGGAAT[C>T]CTATAATACGGTAGCACAGGAGCTGCCTACTACATTAGTGGGGGAGACTTCTGTAACAGT-3'
Protein context (NP_620305.3, residues 673-693): LEVPSTTALE[Ser683Phe]YNTVAQELPT

ClinVar aggregate classification (germline): Uncertain significance (1 of 4 stars; one submission).

Submission:

Labcorp Genetics (formerly Invitae), Labcorp
Classification: Uncertain significance. Last evaluated: 2024-09-08. Review status: criteria provided, single submitter. Criteria: Invitae Variant Classification Sherloc (09022015). Collection method: clinical testing. Allele origin: germline.
Comment: This sequence change replaces serine, which is neutral and polar, with phenylalanine, which is neutral and non-polar, at codon 683 of the SON protein (p.Ser683Phe). This variant is present in population databases (no rsID available, gnomAD 0.0009%). This variant has not been reported in the literature in individuals affected with SON-related conditions. An algorithm developed to predict the effect of missense changes on protein structure and function (PolyPhen-2) suggests that this variant is likely to be disruptive. In summary, the available evidence is currently insufficient to determine the role of this variant in disease. Therefore, it has been classified as a Variant of Uncertain Significance.